The following is an entry in ClinVar:

ClinVar aggregate classification (germline): Uncertain significance (1 of 4 stars; one submission).

Submission:

Labcorp Genetics (formerly Invitae), Labcorp
Classification: Uncertain significance. Last evaluated: 2024-10-15. Review status: criteria provided, single submitter. Criteria: Invitae Variant Classification Sherloc (09022015). Collection method: clinical testing. Allele origin: germline.
Comment: This sequence change replaces asparagine, which is neutral and polar, with serine, which is neutral and polar, at codon 97 of the PPP2R5D protein (p.Asn97Ser). This variant is not present in population databases (gnomAD no frequency). This variant has not been reported in the literature in individuals affected with PPP2R5D-related conditions. An algorithm developed to predict the effect of missense changes on protein structure and function (PolyPhen-2) suggests that this variant is likely to be tolerated. In summary, the available evidence is currently insufficient to determine the role of this variant in disease. Therefore, it has been classified as a Variant of Uncertain Significance.

NM_006245.4(PPP2R5D):c.290A>G (p.Asn97Ser)

Gene: PPP2R5D (protein phosphatase 2 regulatory subunit B'delta; plus strand). Cytogenetic location: 6p21.1.
Variant type: single nucleotide variant.
Coding change: c.290A>G on transcript NM_006245.4 (MANE Select); coding-DNA position 290, A replaced by G.
Protein change: p.Asn97Ser; replaces asparagine 97 with serine.
Molecular consequence: missense variant. On other transcripts: 5 prime UTR variant (1), intron variant (2).
Genome position (GRCh38, 1-based): chr6:43,006,647, A>G. VCF-style: chr6-43006647-A-G. GRCh37 (hg19) VCF-style: chr6-42974385-A-G.
Other names: c.-164A>G (NM_001270476.2); c.249+41A>G (NM_180976.3); c.28-287A>G (NM_180977.3); short protein forms N97S.
Identifiers: ClinVar variation 3717684 (VCV003717684.2).